The following is an entry in ClinVar:

NM_000053.4(ATP7B):c.1870-1G>C

Gene: ATP7B (ATPase copper transporting beta; minus strand). Cytogenetic location: 13q14.3.
Variant type: single nucleotide variant.
Coding change: c.1870-1G>C on transcript NM_000053.4 (MANE Select); the canonical splice acceptor site of the intron before coding-DNA position 1870, G replaced by C.
Molecular consequence: splice acceptor variant. On other transcripts: intron variant (13).
Genome position (GRCh38, 1-based): chr13:51,961,914, C>G on the plus strand (G>C on the coding strand, the complement: ATP7B is on the minus strand). VCF-style: chr13-51961914-C-G. GRCh37 (hg19) VCF-style: chr13-52536050-C-G.
Other names: c.1869+2958G>C (NM_001406541.1, NM_001406531.1, NM_001406532.1 and 5 more transcripts); c.1870-1G>C (NM_001406527.1, NM_001406537.1, NM_001406521.1 and 16 more transcripts); c.1773+2958G>C (NM_001406543.1, NM_001406544.1); c.1537-1G>C (NM_001243182.2); c.1286-11753G>C (NM_001406548.1); c.1837-1G>C (NM_001406524.1, NM_001406514.1); c.1708-4307G>C (NM_001406547.1, NM_001406545.1); c.1774-1G>C (NM_001406518.1, NM_001406536.1, NM_001406530.1 and 1 more transcripts); and 1 more.
Identifiers: ClinVar variation 2690549 (VCV002690549.3), dbSNP rs780361833, ClinGen allele CA388028177.
Genomic context (GRCh38, chr13:51,961,914, plus strand): 5'-GTGGTCCAAGTGATGAGCGTTGGGGTTTCTCTGGGCCAGGGAAGCATGAAAGCCAATTTC[C>G]TTGTCATTAAAAAGAGAGGGGTGGGGAAAAAGGAGGAAGGTACTTGGTTAAAATATGCAT-3'

ClinVar aggregate classification (germline): Likely pathogenic. Review status: criteria provided, multiple submitters, no conflicts (2 of 4 stars). 2 submissions from 2 submitters: Likely pathogenic (2). Last evaluated 2025-12-09.

Conditions:
Wilson disease (WND). Also called: Wilson's disease. Identifiers: Orphanet 905, MedGen C0019202, MONDO:0010200, OMIM 277900. Disease mechanism: loss of function.

gnomAD v4.1: 3 of 1,612,198 alleles (0.00019%); highest among the groups gnomAD compares: Non-Finnish European, 0.00025%; no homozygotes.

Submissions (2):

Labcorp Genetics (formerly Invitae), Labcorp
Classification: Likely pathogenic for Wilson disease. Last evaluated: 2025-12-09. Review status: criteria provided, single submitter. Criteria: Invitae Variant Classification Sherloc (09022015). Collection method: clinical testing. Allele origin: germline.
Comment: This sequence change affects an acceptor splice site in intron 5 of the ATP7B gene. It is expected to disrupt RNA splicing. Variants that disrupt the donor or acceptor splice site typically lead to a loss of protein function (PMID: 16199547), and loss-of-function variants in ATP7B are known to be pathogenic (PMID: 10441329, 16283883). This variant is not present in population databases (gnomAD no frequency). This variant has not been reported in the literature in individuals affected with ATP7B-related conditions. ClinVar contains an entry for this variant (Variation ID: 2690549). Algorithms developed to predict the effect of sequence changes on RNA splicing suggest that this variant may disrupt the consensus splice site. In summary, the currently available evidence indicates that the variant is pathogenic, but additional data are needed to prove that conclusively. Therefore, this variant has been classified as Likely Pathogenic.

Revvity Omics, Revvity
Classification: Likely pathogenic for Wilson disease. Last evaluated: 2023-03-04. Review status: criteria provided, single submitter. Criteria: ACMG Guidelines, 2015. Collection method: clinical testing. Allele origin: germline.

Literature cited by the submitters: PubMed 16199547 (cited by Labcorp Genetics (formerly Invitae), Labcorp); PubMed 10441329 (cited by Labcorp Genetics (formerly Invitae), Labcorp); PubMed 16283883 (cited by Labcorp Genetics (formerly Invitae), Labcorp).